The following is an entry in ClinVar:

NM_001367624.2(ZNF469):c.774T>G (p.Ile258Met)

Gene: ZNF469 (zinc finger protein 469; plus strand). Cytogenetic location: 16q24.2.
Variant type: single nucleotide variant.
Coding change: c.774T>G on transcript NM_001367624.2 (MANE Select); coding-DNA position 774, T replaced by G.
Protein change: p.Ile258Met; replaces isoleucine 258 with methionine.
Molecular consequence: missense variant.
Genome position (GRCh38, 1-based): chr16:88,428,244, T>G. VCF-style: chr16-88428244-T-G. GRCh37 (hg19) VCF-style: chr16-88494652-T-G.
Other names: short protein forms I258M.
Identifiers: ClinVar variation 3659586 (VCV003659586.2).

ClinVar aggregate classification (germline): Uncertain significance (1 of 4 stars; one submission).

gnomAD v4.1: 1 of 1,550,324 alleles (0.000065%); highest among the groups gnomAD compares: Non-Finnish European, 0.000087%; no homozygotes.

Submission:

Labcorp Genetics (formerly Invitae), Labcorp
Classification: Uncertain significance. Last evaluated: 2024-07-15. Review status: criteria provided, single submitter. Criteria: Invitae Variant Classification Sherloc (09022015). Collection method: clinical testing. Allele origin: germline.
Comment: This sequence change replaces isoleucine, which is neutral and non-polar, with methionine, which is neutral and non-polar, at codon 258 of the ZNF469 protein (p.Ile258Met). This variant is not present in population databases (gnomAD no frequency). This variant has not been reported in the literature in individuals affected with ZNF469-related conditions. An algorithm developed to predict the effect of missense changes on protein structure and function (PolyPhen-2) suggests that this variant is likely to be tolerated. In summary, the available evidence is currently insufficient to determine the role of this variant in disease. Therefore, it has been classified as a Variant of Uncertain Significance.